The following is an entry in ClinVar:

NM_021971.4(GMPPB):c.129+1G>A

Gene: GMPPB (GDP-mannose pyrophosphorylase B; minus strand). Cytogenetic location: 3p21.31.
Variant type: single nucleotide variant.
Coding change: c.129+1G>A on transcript NM_021971.4 (MANE Select); the canonical splice donor site of the intron after coding-DNA position 129, G replaced by A.
Molecular consequence: splice donor variant.
Genome position (GRCh38, 1-based): chr3:49,723,597, C>T on the plus strand (G>A on the coding strand, the complement: GMPPB is on the minus strand). VCF-style: chr3-49723597-C-T. GRCh37 (hg19) VCF-style: chr3-49761030-C-T.
Other names: c.129+1G>A (NM_013334.4).
Identifiers: ClinVar variation 3755827 (VCV003755827.2).
Genomic context (GRCh38, chr3:49,723,597, plus strand): 5'-GCTGGCCATCCCTAGTCCCGCCAGATCCGAACGCGACTCTGATCCCGACCCAGGGTCTTA[C>T]CGCGGCTAGCGCCTCCACTTGGTGCAGCAAGATGGGCTTATTGCAGAAGTCCACCAGTGG-3'

ClinVar aggregate classification (germline): Likely pathogenic (1 of 4 stars; one submission).

Conditions:
Muscular dystrophy-dystroglycanopathy (congenital with impaired intellectual development), type B, 14. Also called: Muscular dystrophy-dystroglycanopathy (congenital with intellectual disability), type B14; MUSCULAR DYSTROPHY, CONGENITAL, GMPPB-RELATED; Congenital muscular dystrophy-dystroglycanopathy with mental retardation, type B14. Identifiers: MedGen C3809221, MONDO:0014141, OMIM 615351.
Autosomal recessive limb-girdle muscular dystrophy type 2T. Also called: MUSCULAR DYSTROPHY-DYSTROGLYCANOPATHY, LIMB-GIRDLE, GMPPB-RELATED; MUSCULAR DYSTROPHY, LIMB-GIRDLE, TYPE 2T; Muscular dystrophy-dystroglycanopathy (limb-girdle), type c, 14; Limb-girdle muscular dystrophy-dystroglycanopathy, type C14. Identifiers: Orphanet 363623, MedGen C4518000, MONDO:0014142, OMIM 615352.
Muscular dystrophy-dystroglycanopathy (congenital with brain and eye anomalies), type A14. Also called: WALKER-WARBURG SYNDROME OR MUSCLE-EYE-BRAIN DISEASE, GMPPB-RELATED; Muscular dystrophy-dystroglycanopathy (congenital with brain and eye anomalies), type a, 14; Congenital Muscular Dystrophy-Dystroglycanopathy with Brain and Eye Anomalies Type A 14; Congenital muscular dystrophy-dystroglycanopathy with brain and eye anomalies, type A14. Identifiers: Orphanet 588, MedGen C3809216, MONDO:0014140, OMIM 615350.

Submission:

Labcorp Genetics (formerly Invitae), Labcorp
Classification: Likely pathogenic for Autosomal recessive limb-girdle muscular dystrophy type 2T; Muscular dystrophy-dystroglycanopathy (congenital with brain and eye anomalies), type A14; Muscular dystrophy-dystroglycanopathy (congenital with impaired intellectual development), type B, 14. Last evaluated: 2024-04-18. Review status: criteria provided, single submitter. Criteria: Invitae Variant Classification Sherloc (09022015). Collection method: clinical testing. Allele origin: germline.
Comment: This sequence change affects a donor splice site in intron 1 of the GMPPB gene. It is expected to disrupt RNA splicing. Variants that disrupt the donor or acceptor splice site typically lead to a loss of protein function (PMID: 16199547), and loss-of-function variants in GMPPB are known to be pathogenic (PMID: 23768512, 26310427). This variant is not present in population databases (gnomAD no frequency). This variant has not been reported in the literature in individuals affected with GMPPB-related conditions. Algorithms developed to predict the effect of sequence changes on RNA splicing suggest that this variant may disrupt the consensus splice site. In summary, the currently available evidence indicates that the variant is pathogenic, but additional data are needed to prove that conclusively. Therefore, this variant has been classified as Likely Pathogenic.

Literature cited by the submitters: PubMed 16199547; PubMed 23768512; PubMed 26310427.